The following is an entry in ClinVar:

NM_001330078.2(NRXN1):c.1786A>T (p.Thr596Ser)

Gene: NRXN1 (neurexin 1; minus strand). Cytogenetic location: 2p16.3.
Variant type: single nucleotide variant.
Coding change: c.1786A>T on transcript NM_001330078.2 (MANE Select); coding-DNA position 1786, A replaced by T.
Protein change: p.Thr596Ser; replaces threonine 596 with serine.
Molecular consequence: missense variant.
Genome position (GRCh38, 1-based): chr2:50,538,610, T>A on the plus strand (A>T on the coding strand, the complement: NRXN1 is on the minus strand). VCF-style: chr2-50538610-T-A. GRCh37 (hg19) VCF-style: chr2-50765748-T-A.
Other names: c.1906A>T, p.Thr636Ser (NM_001135659.3); c.1762A>T, p.Thr588Ser (NM_001330077.2, NM_001330082.2, NM_001330095.2); c.1747A>T, p.Thr583Ser (NM_001330083.2, NM_001330084.2); c.1786A>T, p.Thr596Ser (NM_001330085.2, NM_001330086.2, NM_004801.6); c.1702A>T, p.Thr568Ser (NM_001330087.2, NM_001330096.2); c.1732A>T, p.Thr578Ser (NM_001330088.2); c.1783A>T, p.Thr595Ser (NM_001330093.2); c.1774A>T, p.Thr592Ser (NM_001330094.2); short protein forms T636S, T568S, T578S, T592S, T595S, T596S, T583S, T588S.
Identifiers: ClinVar variation 411161 (VCV000411161.8), dbSNP rs1060503176, ClinGen allele CA16611193.
Genomic context (GRCh38, chr2:50,538,610, plus strand): 5'-CCAGGTACAACTCATCATCCAGGTCCAGAATCTCACTCTCACCAGGAGCAGTGTAGGGAG[T>A]ACGCAACGTGTTGACAGAAATGGTACCTATTTCAAAGAGAGGAGAATGCACAGGTCTTTA-3'
Protein context (NP_001317007.1, residues 586-606): SGTISVNTLR[Thr596Ser]PYTAPGESEI

ClinVar aggregate classification (germline): Uncertain significance (1 of 4 stars; one submission).

Conditions:
Pitt-Hopkins-like syndrome 2 (PTHSL2). Identifiers: Orphanet 221150, Orphanet 600663, MedGen C3280479, MONDO:0013690, OMIM 614325.

Allele frequency attached by ClinVar (database versions not stated): gnomAD 0.00001.
gnomAD v4.1: 1 of 1,501,578 alleles (0.000067%); highest among the groups gnomAD compares: East Asian, 0.0023%; no homozygotes.

Submission:

Labcorp Genetics (formerly Invitae), Labcorp
Classification: Uncertain significance for Pitt-Hopkins-like syndrome 2. Last evaluated: 2016-07-01. Review status: criteria provided, single submitter. Criteria: Invitae Variant Classification Sherloc (09022015). Collection method: clinical testing. Allele origin: germline.
Comment: Algorithms developed to predict the effect of missense changes on protein structure and function (SIFT, PolyPhen-2, Align-GVGD) all suggest that this variant is likely to be tolerated, but these predictions have not been confirmed by published functional studies. In summary, this variant is a novel missense change that is not predicted to affect protein function. There is no indication that it causes disease, but the available evidence is currently insufficient to prove that conclusively. Therefore, it has been classified as a Variant of Uncertain Significance. This variant is not present in population databases (ExAC no frequency) and has not been reported in the literature in individuals with a NRXN1-related disease. This sequence change replaces threonine with serine at codon 636 of the NRXN1 protein (p.Thr636Ser). The threonine residue is highly conserved and there is a small physicochemical difference between threonine and serine.